The following is an entry in ClinVar:

ClinVar aggregate classification (germline): Uncertain significance (1 of 4 stars; one submission).

Conditions:
Neuronal ceroid lipofuscinosis. Also called: Neuronal Ceroid Lipofuscinoses. Identifiers: Orphanet 216, Orphanet 79263, MedGen C0027877, MONDO:0016295. Disease mechanism: loss of function.

Submission:

Labcorp Genetics (formerly Invitae), Labcorp
Classification: Uncertain significance for Neuronal ceroid lipofuscinosis. Last evaluated: 2022-08-13. Review status: criteria provided, single submitter. Criteria: Invitae Variant Classification Sherloc (09022015). Collection method: clinical testing. Allele origin: germline.
Comment: This sequence change replaces leucine, which is neutral and non-polar, with valine, which is neutral and non-polar, at codon 164 of the CLN3 protein (p.Leu164Val). This variant is present in population databases (no rsID available, gnomAD 0.006%). This variant has not been reported in the literature in individuals affected with CLN3-related conditions. Algorithms developed to predict the effect of missense changes on protein structure and function (SIFT, PolyPhen-2, Align-GVGD) all suggest that this variant is likely to be tolerated. In summary, the available evidence is currently insufficient to determine the role of this variant in disease. Therefore, it has been classified as a Variant of Uncertain Significance.

NM_001042432.2(CLN3):c.490C>G (p.Leu164Val)

Gene: CLN3 (CLN3 lysosomal/endosomal transmembrane protein, battenin; minus strand). Cytogenetic location: 16p12.1.
Variant type: single nucleotide variant.
Coding change: c.490C>G on transcript NM_001042432.2 (MANE Select); coding-DNA position 490, C replaced by G.
Protein change: p.Leu164Val; replaces leucine 164 with valine.
Molecular consequence: missense variant.
Genome position (GRCh38, 1-based): chr16:28,486,621, G>C on the plus strand (C>G on the coding strand, the complement: CLN3 is on the minus strand). VCF-style: chr16-28486621-G-C. GRCh37 (hg19) VCF-style: chr16-28497942-G-C.
Other names: c.490C>G, p.Leu164Val (NM_000086.2); c.418C>G, p.Leu140Val (NM_001286104.2); c.190C>G, p.Leu64Val (NM_001286105.2); c.256C>G, p.Leu86Val (NM_001286109.2); c.328C>G, p.Leu110Val (NM_001286110.2); short protein forms L164V, L64V, L86V, L110V, L140V.
Identifiers: ClinVar variation 1971692 (VCV001971692.2), dbSNP rs758342160, ClinGen allele CA395345699.
Genomic context (GRCh38, chr16:28,486,621, plus strand): 5'-CTGCTCCACCTGCTTACCTGGGGTAGAAGGCAGTGAGGGAGAGGAAGGTGACCTCCCCAA[G>C]GCCTGATGAGATGCTAGCGAAGACCACACCTGGGGGGAGGACAAGCACTGGGATGGTCAC-3'
Protein context (NP_001035897.1, residues 154-174): GVVFASISSG[Leu164Val]GEVTFLSLTA